The following is an entry in ClinVar:

NM_000368.5(TSC1):c.2033A>G (p.His678Arg)

Gene: TSC1 (TSC complex subunit 1; minus strand). Cytogenetic location: 9q34.13.
Variant type: single nucleotide variant.
Coding change: c.2033A>G on transcript NM_000368.5 (MANE Select); coding-DNA position 2033, A replaced by G.
Protein change: p.His678Arg; replaces histidine 678 with arginine.
Molecular consequence: missense variant.
Genome position (GRCh38, 1-based): chr9:132,904,419, T>C on the plus strand (A>G on the coding strand, the complement: TSC1 is on the minus strand). VCF-style: chr9-132904419-T-C. GRCh37 (hg19) VCF-style: chr9-135779806-T-C.
Other names: c.2030A>G, p.His677Arg (NM_001162426.2); c.1880A>G, p.His627Arg (NM_001162427.2); c.1670A>G, p.His557Arg (NM_001362177.2); short protein forms H678R, H627R, H677R, H557R.
Identifiers: ClinVar variation 859868 (VCV000859868.13), dbSNP rs745413532, ClinGen allele CA030722.

ClinVar aggregate classification (germline): Uncertain significance. Review status: criteria provided, multiple submitters, no conflicts (2 of 4 stars). 3 submissions from 3 submitters: Uncertain significance (3). Last evaluated 2024-12-02.

Conditions:
Tuberous sclerosis 1 (TSC1). Identifiers: Orphanet 805, MedGen C1854465, MONDO:0008612, OMIM 191100.
Hereditary cancer-predisposing syndrome. Also called: Hereditary neoplastic syndrome; Tumor predisposition; Neoplastic Syndromes, Hereditary; Hereditary Cancer Syndrome. Identifiers: Orphanet 140162, MedGen C0027672, MeSH D009386, MONDO:0015356.

Allele frequency attached by ClinVar (database versions not stated): ExAC 0.00001.
gnomAD v4.1: 1 of 1,614,056 alleles (0.000062%); highest among the groups gnomAD compares: South Asian, 0.0011%; no homozygotes.

Submissions (3):

Ambry Genetics
Classification: Uncertain significance for Hereditary cancer-predisposing syndrome. Last evaluated: 2024-12-02. Review status: criteria provided, single submitter. Criteria: Ambry Variant Classification Scheme 2023. Collection method: clinical testing. Allele origin: germline.
Comment: The p.H678R variant (also known as c.2033A>G), located in coding exon 14 of the TSC1 gene, results from an A to G substitution at nucleotide position 2033. The histidine at codon 678 is replaced by arginine, an amino acid with highly similar properties. This amino acid position is highly conserved in available vertebrate species. In addition, this alteration is predicted to be deleterious by in silico analysis. Based on the available evidence, the clinical significance of this variant remains unclear.

GeneDx
Classification: Uncertain significance. Last evaluated: 2022-10-24. Review status: criteria provided, single submitter. Criteria: GeneDx Variant Classification Process June 2021. Collection method: clinical testing. Allele origin: germline. Affected: yes.
Comment: In silico analysis supports that this missense variant has a deleterious effect on protein structure/function; Has not been previously published as pathogenic or benign to our knowledge

Labcorp Genetics (formerly Invitae), Labcorp
Classification: Uncertain significance for Tuberous sclerosis 1. Last evaluated: 2019-11-21. Review status: criteria provided, single submitter. Criteria: Invitae Variant Classification Sherloc (09022015). Collection method: clinical testing. Allele origin: germline.
Comment: In summary, the available evidence is currently insufficient to determine the role of this variant in disease. Therefore, it has been classified as a Variant of Uncertain Significance. Algorithms developed to predict the effect of missense changes on protein structure and function are either unavailable or do not agree on the potential impact of this missense change (SIFT: "Tolerated"; PolyPhen-2: "Probably Damaging"; Align-GVGD: "Class C0"). This variant has not been reported in the literature in individuals with TSC1-related conditions. This variant is present in population databases (rs745413532, ExAC 0.002%). This sequence change replaces histidine with arginine at codon 678 of the TSC1 protein (p.His678Arg). The histidine residue is moderately conserved and there is a small physicochemical difference between histidine and arginine.